The following is an entry in ClinVar:

NM_007294.4(BRCA1):c.3340G>T (p.Glu1114Ter)

Genes: BRCA1 (BRCA1 DNA repair associated; minus strand), LOC126862571 (BRD4-independent group 4 enhancer GRCh37_chr17:41243136-41244335; plus strand). Cytogenetic location: 17q21.31.
Variant type: single nucleotide variant.
Coding change: c.3340G>T on transcript NM_007294.4 (MANE Select); coding-DNA position 3340, G replaced by T.
Protein change: p.Glu1114Ter; replaces glutamic acid 1114 with a stop codon.
Molecular consequence: nonsense. On other transcripts: intron variant (137).
Genome position (GRCh38, 1-based): chr17:43,092,191, C>A on the plus strand (G>T on the coding strand, the complement: BRCA1 is on the minus strand). VCF-style: chr17-43092191-C-A. GRCh37 (hg19) VCF-style: chr17-41244208-C-A.
Other names: c.3073G>T, p.Glu1025Ter (NM_001407930.1, NM_001407931.1, NM_001407932.1 and 2 more transcripts); c.3076G>T, p.Glu1026Ter (NM_001407933.1, NM_001407935.1, NM_001407920.1 and 9 more transcripts); c.3217G>T, p.Glu1073Ter (NM_001407937.1, NM_001407938.1, NM_001407939.1 and 19 more transcripts); c.3214G>T, p.Glu1072Ter (NM_001407940.1, NM_001407941.1, NM_001407649.1 and 11 more transcripts); c.3199G>T, p.Glu1067Ter (NM_001407942.1, NM_001407944.1, NM_001407945.1 and 29 more transcripts); c.3196G>T, p.Glu1066Ter (NM_001407943.1, NM_001407964.1, NM_001407740.1 and 20 more transcripts); c.3007G>T, p.Glu1003Ter (NM_001407946.1, NM_001407947.1, NM_001407948.1 and 6 more transcripts); c.3004G>T, p.Glu1002Ter (NM_001407954.1, NM_001407955.1, NM_001407956.1 and 1 more transcripts); and 41 more; short protein forms E1114*, E1067*, E1025*, E1047*, E1072*, E1087*, E1088*, E1003*.
Identifiers: ClinVar variation 54849 (VCV000054849.16), dbSNP rs80357278, ClinGen allele CA002163.

ClinVar aggregate classification (germline): Pathogenic. Review status: reviewed by expert panel (3 of 4 stars). 7 submissions from 7 submitters: Pathogenic (1). 6 of the submissions do not count toward it. Last evaluated 2016-09-08.

Conditions:
Hereditary breast ovarian cancer syndrome. Also called: Hereditary breast and ovarian cancer syndrome (HBOC); Hereditary breast and ovarian cancer syndrome; Hereditary breast and ovarian cancer; Hereditary breast and/or ovarian cancer syndrome; Breast and ovarian cancer; BRCA1- and BRCA2-Associated Hereditary Breast and Ovarian Cancer. Identifiers: Orphanet 145, MedGen C0677776, MeSH D061325, MONDO:0003582. Disease mechanism: loss of function.
Breast-ovarian cancer, familial, susceptibility to, 1 (BROVCA1). Also called: OVARIAN CANCER, SUSCEPTIBILITY TO; BRCA1 Hereditary Breast and Ovarian Cancer. Identifiers: Orphanet 145, MedGen C2676676, MONDO:0011450, OMIM 604370. Disease mechanism: loss of function.

Submissions (7):

Evidence-based Network for the Interpretation of Germline Mutant Alleles (ENIGMA)
Classification: Pathogenic for Breast-ovarian cancer, familial, susceptibility to, 1. Last evaluated: 2016-09-08. Review status: reviewed by expert panel. Criteria: ENIGMA BRCA1/2 Classification Criteria (2015). Collection method: curation. Allele origin: germline.
Comment: Variant allele predicted to encode a truncated non-functional protein.

Labcorp Genetics (formerly Invitae), Labcorp
Classification: Pathogenic for Hereditary breast ovarian cancer syndrome. Last evaluated: 2025-09-14. Review status: criteria provided, single submitter. Criteria: Invitae Variant Classification Sherloc (09022015). Collection method: clinical testing. Allele origin: germline. Not counted in ClinVar's aggregate classification.
Comment: This sequence change creates a premature translational stop signal (p.Glu1114*) in the BRCA1 gene. It is expected to result in an absent or disrupted protein product. Loss-of-function variants in BRCA1 are known to be pathogenic (PMID: 20104584). This variant is not present in population databases (gnomAD no frequency). This premature translational stop signal has been observed in individual(s) with breast cancer (PMID: 12204006). This variant is also known as 3459G>T, E1114X. ClinVar contains an entry for this variant (Variation ID: 54849). For these reasons, this variant has been classified as Pathogenic.

GeneDx
Classification: Pathogenic. Last evaluated: 2024-07-24. Review status: criteria provided, single submitter. Criteria: GeneDx Variant Classification Process June 2021. Collection method: clinical testing. Allele origin: germline. Affected: yes. Not counted in ClinVar's aggregate classification.
Comment: Nonsense variant predicted to result in protein truncation or nonsense mediated decay in a gene for which loss of function is a known mechanism of disease; Not observed at significant frequency in large population cohorts (gnomAD); Truncating variants in this gene are considered pathogenic by a well-established clinical consortium and/or database; Also known as 3459G>T; This variant is associated with the following publications: (PMID: 25483746, 22798144, 29673794, 12204006, 18276013, 30702160, 31825140, 28111427, 29446198, 28176296, 25525159, 34645131, 30367782, 36385461, 30309222, 33461583)

Women's Health and Genetics/Laboratory Corporation of America, LabCorp
Classification: Pathogenic for Hereditary breast and ovarian cancer syndrome. Last evaluated: 2019-12-13. Review status: criteria provided, single submitter. Criteria: LabCorp Variant Classification Summary - May 2015. Collection method: clinical testing. Allele origin: germline. Not counted in ClinVar's aggregate classification.
Comment: Variant summary: BRCA1 c.3340G>T (p.Glu1114X) results in a premature termination codon, predicted to cause a truncation of the encoded protein or absence of the protein due to nonsense mediated decay, which are commonly known mechanisms for disease. Truncations downstream of this position have been classified as pathogenic by our laboratory. The variant was absent in 250248 control chromosomes (gnomAD). c.3340G>T has been reported in the literature in multiple individuals affected with Hereditary Breast and Ovarian Cancer (e.g. Kang_2002, Rebbeck_2018, Bhaskaran_2019). These data indicate that the variant is very likely to be associated with disease. To our knowledge, no experimental evidence demonstrating an impact on protein function has been reported. Two ClinVar submitters (evaluation after 2014) including one expert panel (ENIGMA) cite the variant as pathogenic. Based on the evidence outlined above, the variant was classified as pathogenic.

Consortium of Investigators of Modifiers of BRCA1/2 (CIMBA), c/o University of Cambridge
Classification: Pathogenic for Breast-ovarian cancer, familial, susceptibility to, 1. Last evaluated: 2015-10-02. Review status: criteria provided, single submitter. Criteria: CIMBA Mutation Classification guidelines May 2016. Collection method: clinical testing. Allele origin: germline. Not counted in ClinVar's aggregate classification.

Research Molecular Genetics Laboratory, Women's College Hospital, University of Toronto
Classification: Pathogenic for Hereditary breast ovarian cancer syndrome. Last evaluated: 2014-01-31. Review status: no assertion criteria provided. Collection method: research. Allele origin: germline. Affected: yes. Study: The Canadian Open Genetics Repository (COGR). Not counted in ClinVar's aggregate classification.

Breast Cancer Information Core (BIC) (BRCA1)
Classification: Pathogenic for Breast-ovarian cancer, familial 1. Last evaluated: 2002-06-20. Review status: no assertion criteria provided. Collection method: clinical testing. Allele origin: germline. Affected: yes. Observed: 1 variant allele. Not counted in ClinVar's aggregate classification.

Literature cited by the submitters: PubMed 20104584 (cited by Labcorp Genetics (formerly Invitae), Labcorp); PubMed 12204006 (cited by Labcorp Genetics (formerly Invitae), Labcorp and Women's Health and Genetics/Laboratory Corporation of America, LabCorp); PubMed 22798144 (cited by Women's Health and Genetics/Laboratory Corporation of America, LabCorp); PubMed 18276013 (cited by Women's Health and Genetics/Laboratory Corporation of America, LabCorp); PubMed 29446198 (cited by Women's Health and Genetics/Laboratory Corporation of America, LabCorp); PubMed 30702160 (cited by Women's Health and Genetics/Laboratory Corporation of America, LabCorp).